The following is an entry in ClinVar:

ClinVar aggregate classification (germline): not provided (0 of 4 stars; one submission).

Conditions:
Blau syndrome (BLAUS). Also called: ARTHROCUTANEOUVEAL GRANULOMATOSIS; GRANULOMATOSIS, FAMILIAL JUVENILE SYSTEMIC; GRANULOMATOSIS, FAMILIAL, BLAU TYPE; GRANULOMATOUS INFLAMMATORY ARTHRITIS, DERMATITIS, AND UVEITIS, FAMILIAL; JABS SYNDROME. Identifiers: Orphanet 90340, MedGen C5201146, MONDO:0008523, OMIM 186580.

Allele frequency attached by ClinVar (database versions not stated): gnomAD exomes below 0.00001.
gnomAD v4.1: 1 of 1,614,066 alleles (0.000062%); highest among the groups gnomAD compares: Non-Finnish European, 0.000085%; no homozygotes.

Submission:

Unité médicale des maladies autoinflammatoires, CHRU Montpellier
No classification provided. Condition: Sarcoidosis, early-onset. Review status: no classification provided. Collection method: not provided. Allele origin: unknown.
Comment: also involved in OMIM 186580 and 266600

NM_001370466.1(NOD2):c.2394C>G (p.Asn798Lys)

Gene: NOD2 (nucleotide binding oligomerization domain containing 2; plus strand). Cytogenetic location: 16q12.1.
Variant type: single nucleotide variant.
Coding change: c.2394C>G on transcript NM_001370466.1 (MANE Select); coding-DNA position 2394, C replaced by G.
Protein change: p.Asn798Lys; replaces asparagine 798 with lysine.
Molecular consequence: missense variant. On other transcripts: non-coding transcript variant (1).
Genome position (GRCh38, 1-based): chr16:50,716,599, C>G. VCF-style: chr16-50716599-C-G. GRCh37 (hg19) VCF-style: chr16-50750510-C-G.
Other names: c.2475C>G (LRG_177t1); c.2394C>G, p.Asn798Lys (NM_001293557.2); c.2475C>G, p.Asn825Lys (NM_022162.3); short protein forms N825K, N798K.
Identifiers: ClinVar variation 97853 (VCV000097853.1), dbSNP rs104895485, ClinGen allele CA150271.